The following is an entry in ClinVar:

ClinVar aggregate classification (germline): Pathogenic (1 of 4 stars; one submission).

Conditions:
Immunodeficiency 23 (IMD23). Also called: IMMUNODEFICIENCY WITH HYPER IgE AND COGNITIVE IMPAIRMENT; IMMUNODEFICIENCY-VASCULITIS-MYOCLONUS SYNDROME. Identifiers: Orphanet 443811, MedGen C4014371, MONDO:0014353, OMIM 615816.

Submission:

Labcorp Genetics (formerly Invitae), Labcorp
Classification: Pathogenic for Immunodeficiency 23. Last evaluated: 2023-02-21. Review status: criteria provided, single submitter. Criteria: Invitae Variant Classification Sherloc (09022015). Collection method: clinical testing. Allele origin: germline.
Comment: For these reasons, this variant has been classified as Pathogenic. Algorithms developed to predict the effect of sequence changes on RNA splicing suggest that this variant may disrupt the consensus splice site. This variant has not been reported in the literature in individuals affected with PGM3-related conditions. This variant is not present in population databases (gnomAD no frequency). This sequence change creates a premature translational stop signal (p.Thr331Serfs*2) in the PGM3 gene. It is expected to result in an absent or disrupted protein product. Loss-of-function variants in PGM3 are known to be pathogenic (PMID: 17548465, 24589341, 24931394).

Literature cited by the submitters: PubMed 17548465; PubMed 24589341; PubMed 24931394.

NM_015599.3(PGM3):c.908del (p.Thr303fs)

Gene: PGM3 (phosphoglucomutase 3; minus strand). Cytogenetic location: 6q14.1.
Variant type: Deletion.
Coding change: c.908del on transcript NM_015599.3 (MANE Select); coding-DNA position 908, one base deleted (C; older notation c.908delC).
Protein change: p.Thr303fs; shifts the reading frame from threonine 303.
Molecular consequence: frameshift variant. On other transcripts: non-coding transcript variant (1).
Genome position (GRCh38, 1-based): chr6:83,179,847, G deleted on the plus strand (C on the coding strand, the reverse complement: PGM3 is on the minus strand). VCF-style (leftmost placement, unchanged base first): chr6-83179846-CG-C. GRCh37 (hg19) VCF-style: chr6-83889565-CG-C.
Other names: c.992del, p.Thr331fs (NM_001199917.2, NM_001367287.1); c.665del, p.Thr222fs (NM_001199918.2); c.908del, p.Thr303fs (NM_001199919.2, NM_001367286.1); short protein forms T222fs, T303fs, T331fs.
Identifiers: ClinVar variation 2839320 (VCV002839320.3), dbSNP rs2538122346, ClinGen allele CA2739273300.